The following is an entry in ClinVar:

NM_001374385.1(ATP8B1):c.2418+4C>T

Genes: ATP8B1 (ATPase phospholipid transporting 8B1; minus strand), ATP8B1-AS1 (ATP8B1 antisense RNA 1; plus strand). Cytogenetic location: 18q21.31.
Variant type: single nucleotide variant.
Coding change: c.2418+4C>T on transcript NM_001374385.1 (MANE Select); 4 bases into the intron after coding-DNA position 2418, C replaced by T.
Molecular consequence: intron variant.
Genome position (GRCh38, 1-based): chr18:57,662,479, G>A on the plus strand (C>T on the coding strand, the complement: ATP8B1 is on the minus strand). VCF-style: chr18-57662479-G-A. GRCh37 (hg19) VCF-style: chr18-55329711-G-A.
Other names: c.2418+4C>T (NM_005603.6, NM_005603.4); c.2268+4C>T (NM_001374386.1).
Identifiers: ClinVar variation 593984 (VCV000593984.7), dbSNP rs777913106, ClinGen allele CA8974267.

ClinVar aggregate classification (germline): Uncertain significance. Review status: criteria provided, single submitter (1 of 4 stars). 2 submissions from 2 submitters: Uncertain significance (1). 1 of the submissions does not count toward it. Last evaluated 2018-05-24.

Conditions:
ATP8B1-related disorder. Also called: ATP8B1-related condition; ATP8B1-related disorders.

Allele frequency attached by ClinVar (database versions not stated): gnomAD exomes 0.00001 and 0.00002; ExAC 0.00002; TOPMed 0.00002; gnomAD 0.00003.
gnomAD v4.1: 21 of 1,613,874 alleles (0.0013%); highest among the groups gnomAD compares: Middle Eastern, 0.049%; no homozygotes.

Submissions (2):

Eurofins Ntd Llc (ga)
Classification: Uncertain significance. Last evaluated: 2018-05-24. Review status: criteria provided, single submitter. Criteria: EGL ClinVar v180209 classification definitions. Collection method: clinical testing. Allele origin: germline. Observed: 3 variant alleles, 3 heterozygotes.

PreventionGenetics, part of Exact Sciences
Classification: Likely benign for ATP8B1-related condition. Last evaluated: 2023-12-16. Review status: no assertion criteria provided. Collection method: clinical testing. Allele origin: germline. Not counted in ClinVar's aggregate classification.
Comment: This variant is classified as likely benign based on ACMG/AMP sequence variant interpretation guidelines (Richards et al. 2015 PMID: 25741868, with internal and published modifications).